The following is an entry in ClinVar:

NM_006121.4(KRT1):c.651G>C (p.Gln217His)

Gene: KRT1 (keratin 1; minus strand). Cytogenetic location: 12q13.13.
Variant type: single nucleotide variant.
Coding change: c.651G>C on transcript NM_006121.4 (MANE Select); coding-DNA position 651, G replaced by C.
Protein change: p.Gln217His; replaces glutamine 217 with histidine.
Molecular consequence: missense variant.
Genome position (GRCh38, 1-based): chr12:52,678,697, C>G on the plus strand (G>C on the coding strand, the complement: KRT1 is on the minus strand). VCF-style: chr12-52678697-C-G. GRCh37 (hg19) VCF-style: chr12-53072481-C-G.
Other names: short protein forms Q217H.
Identifiers: ClinVar variation 794129 (VCV000794129.7), dbSNP rs201584652, ClinGen allele CA6586389.
Genomic context (GRCh38, chr12:52,678,697, plus strand): 5'-ATTGTTGATGAATGACTCAAAGTAGGGCTCTAAATTATGGGTTCTAGTGGAGGTATCTAC[C>G]TGCTGCAGCAGCTCCCATTTTGTTTGCAGTACCTGGTTCTGCTGCTCCAGGAACCTCACC-3'
Protein context (NP_006112.3, residues 207-227): VLQTKWELLQ[Gln217His]VDTSTRTHNL

ClinVar aggregate classification (germline): Conflicting classifications of pathogenicity. Review status: criteria provided, conflicting classifications (1 of 4 stars). 3 submissions from 3 submitters: Uncertain significance (1); Likely benign (1). 1 of the submissions does not count toward it. Last evaluated 2025-07-23.

Conditions:
KRT1-related disorder. Also called: KRT1-related condition.
Inborn genetic diseases. Identifiers: MedGen C0950123, MeSH D030342.

Allele frequency attached by ClinVar (database versions not stated): gnomAD exomes 0.00004 and 0.00007; ExAC 0.00007; gnomAD 0.00036 and 0.00039; TOPMed 0.00039; ESP Exome Variant Server 0.00069.

Submissions (3):

Labcorp Genetics (formerly Invitae), Labcorp
Classification: Likely benign. Last evaluated: 2025-07-23. Review status: criteria provided, single submitter. Criteria: Invitae Variant Classification Sherloc (09022015). Collection method: clinical testing. Allele origin: germline.

Ambry Genetics
Classification: Uncertain significance for Inborn genetic diseases. Last evaluated: 2024-06-28. Review status: criteria provided, single submitter. Criteria: Ambry Variant Classification Scheme 2023. Collection method: clinical testing. Allele origin: germline.

PreventionGenetics, part of Exact Sciences
Classification: Uncertain significance for KRT1-related condition. Last evaluated: 2024-06-13. Review status: no assertion criteria provided. Collection method: clinical testing. Allele origin: germline. Not counted in ClinVar's aggregate classification.
Comment: The KRT1 c.651G>C variant is predicted to result in the amino acid substitution p.Gln217His. To our knowledge, this variant has not been reported in the literature. This variant is reported in 0.10% of alleles in individuals of African descent in gnomAD, which is likely too common for an undocumented disease-causing variant. Although we suspect that this variant may be benign, at this time, the clinical significance of this variant is uncertain due to the absence of conclusive functional and genetic evidence.